The following is an entry in ClinVar:

NM_013254.4(TBK1):c.880G>A (p.Gly294Ser)

Gene: TBK1 (TANK binding kinase 1; plus strand). Cytogenetic location: 12q14.2.
Variant type: single nucleotide variant.
Coding change: c.880G>A on transcript NM_013254.4 (MANE Select); coding-DNA position 880, G replaced by A.
Protein change: p.Gly294Ser; replaces glycine 294 with serine.
Molecular consequence: missense variant.
Genome position (GRCh38, 1-based): chr12:64,481,909, G>A. VCF-style: chr12-64481909-G-A. GRCh37 (hg19) VCF-style: chr12-64875689-G-A.
Other names: short protein forms G294S.
Identifiers: ClinVar variation 2703300 (VCV002703300.3), dbSNP rs2539513519, ClinGen allele CA385599154.
Genomic context (GRCh38, chr12:64,481,909, plus strand): 5'-CAGGTTCTACTTACCCCTGTTCTTGCAAACATCCTTGAAGCAGATCAGGAAAAGTGTTGG[G>A]GTTTTGACCAGTTTTTTGCAGAAACTAGTGATATACTTCACCGAATGGTAATTCATGTTT-3'
Protein context (NP_037386.1, residues 284-304): ILEADQEKCW[Gly294Ser]FDQFFAETSD

ClinVar aggregate classification (germline): Uncertain significance (1 of 4 stars; one submission).

Conditions:
Frontotemporal dementia and/or amyotrophic lateral sclerosis 4. Also called: FTDALS4. Identifiers: Orphanet 275872, MedGen C4225325, MONDO:0014641, OMIM 616439.

Allele frequency attached by ClinVar (database versions not stated): gnomAD exomes below 0.00001.
gnomAD v4.1: 1 of 1,611,174 alleles (0.000062%); highest among the groups gnomAD compares: South Asian, 0.0011%; no homozygotes.

Submission:

Labcorp Genetics (formerly Invitae), Labcorp
Classification: Uncertain significance for Frontotemporal dementia and/or amyotrophic lateral sclerosis 4. Last evaluated: 2023-12-14. Review status: criteria provided, single submitter. Criteria: Invitae Variant Classification Sherloc (09022015). Collection method: clinical testing. Allele origin: germline.
Comment: This sequence change replaces glycine, which is neutral and non-polar, with serine, which is neutral and polar, at codon 294 of the TBK1 protein (p.Gly294Ser). This variant is not present in population databases (gnomAD no frequency). This variant has not been reported in the literature in individuals affected with TBK1-related conditions. Advanced modeling of protein sequence and biophysical properties (such as structural, functional, and spatial information, amino acid conservation, physicochemical variation, residue mobility, and thermodynamic stability) performed at Invitae indicates that this missense variant is not expected to disrupt TBK1 protein function with a negative predictive value of 95%. In summary, the available evidence is currently insufficient to determine the role of this variant in disease. Therefore, it has been classified as a Variant of Uncertain Significance.